The following is an entry in ClinVar:

NM_053274.3(GLMN):c.1635G>A (p.Glu545=)

Gene: GLMN (glomulin, FKBP associated protein; minus strand). Cytogenetic location: 1p22.1.
Variant type: single nucleotide variant.
Coding change: c.1635G>A on transcript NM_053274.3 (MANE Select); coding-DNA position 1635, G replaced by A.
Protein change: p.Glu545=; no amino-acid change (glutamic acid 545 retained).
Molecular consequence: synonymous variant. On other transcripts: non-coding transcript variant (1).
Genome position (GRCh38, 1-based): chr1:92,247,095, C>T on the plus strand (G>A on the coding strand, the complement: GLMN is on the minus strand). VCF-style: chr1-92247095-C-T. GRCh37 (hg19) VCF-style: chr1-92712652-C-T.
Other names: c.1593G>A, p.Glu531= (NM_001319683.2).
Identifiers: ClinVar variation 298127 (VCV000298127.5), dbSNP rs376960198, ClinGen allele CA950188.

ClinVar aggregate classification (germline): Likely benign (1 of 4 stars; one submission).

Conditions:
Glomuvenous malformation. Also called: GLOMANGIOMAS, MULTIPLE; GLOMUS TUMORS, MULTIPLE; VENOUS MALFORMATIONS WITH GLOMUS CELLS; Familial glomangioma. Identifiers: Orphanet 83454, MedGen C1841984, MONDO:0007672, OMIM 138000.

Allele frequency attached by ClinVar (database versions not stated): TOPMed 0.00004; gnomAD 0.00007 and 0.00008; ESP Exome Variant Server 0.00008.
gnomAD v4.1: 62 of 1,577,988 alleles (0.0039%); highest among the groups gnomAD compares: Middle Eastern, 0.033%; no homozygotes.

Submission:

Illumina Laboratory Services, Illumina
Classification: Likely benign for Glomuvenous malformation. Last evaluated: 2018-01-12. Review status: criteria provided, single submitter. Criteria: ICSL Variant Classification Criteria 13 December 2019. Collection method: clinical testing. Allele origin: germline.
Comment: This variant was observed in the ICSL laboratory as part of a predisposition screen in an ostensibly healthy population. It had not been previously curated by ICSL or reported in the Human Gene Mutation Database (HGMD: prior to June 1st, 2018), and was therefore a candidate for classification through an automated scoring system. Utilizing variant allele frequency, disease prevalence and penetrance estimates, and inheritance mode, an automated score was calculated to assess if this variant is too frequent to cause the disease. Based on the score and internal cut-off values, a variant classified as likely benign is not then subjected to further curation. The score for this variant resulted in a classification of likely benign for this disease.